The following is an entry in ClinVar:

NM_000860.6(HPGD):c.*1066G>A

Gene: HPGD (15-hydroxyprostaglandin dehydrogenase; minus strand). Cytogenetic location: 4q34.1.
Variant type: single nucleotide variant.
Coding change: c.*1066G>A on transcript NM_000860.6 (MANE Select); 1066 bases downstream of the stop codon, G replaced by A.
Molecular consequence: 3 prime UTR variant.
Genome position (GRCh38, 1-based): chr4:174,490,890, C>T on the plus strand (G>A on the coding strand, the complement: HPGD is on the minus strand). VCF-style: chr4-174490890-C-T. GRCh37 (hg19) VCF-style: chr4-175412041-C-T.
Other names: c.*1166G>A (NM_001145816.3); c.*1066G>A (NM_001256301.1, NM_001256306.2, NM_001256307.2); c.*1194G>A (NM_001256305.2).
Identifiers: ClinVar variation 903468 (VCV000903468.4), dbSNP rs185881768, ClinGen allele CA111125524.

ClinVar aggregate classification (germline): Likely benign. Review status: criteria provided, single submitter (1 of 4 stars). 2 submissions from 1 submitter: Likely benign (2). Last evaluated 2018-01-12.

Conditions:
Isolated congenital digital clubbing. Also called: ACROPACHY, HEREDITARY; CLUBBING OF DIGITS. Identifiers: Orphanet 217059, MedGen C0345408, MONDO:0007343, OMIM 119900.
Hypertrophic osteoarthropathy, primary, autosomal recessive, 1 (PHOAR1). Also called: PHO, AUTOSOMAL RECESSIVE. Identifiers: Orphanet 1525, Orphanet 2796, MedGen C4551679, MONDO:0024546, OMIM 259100.

Allele frequency attached by ClinVar (database versions not stated): 1000 Genomes Project 0.00080; 1000 Genomes Project 30x 0.00109; gnomAD 0.00150 and 0.00153; TOPMed 0.00165; gnomAD exomes 0.00725.

Submissions (2):

Illumina Laboratory Services, Illumina
Classification: Likely benign for Isolated congenital digital clubbing. Last evaluated: 2018-01-12. Review status: criteria provided, single submitter. Criteria: ICSL Variant Classification Criteria 13 December 2019. Collection method: clinical testing. Allele origin: germline.
Comment: This variant was observed in the ICSL laboratory as part of a predisposition screen in an ostensibly healthy population. It had not been previously curated by ICSL or reported in the Human Gene Mutation Database (HGMD: prior to June 1st, 2018), and was therefore a candidate for classification through an automated scoring system. Utilizing variant allele frequency, disease prevalence and penetrance estimates, and inheritance mode, an automated score was calculated to assess if this variant is too frequent to cause the disease. Based on the score and internal cut-off values, a variant classified as likely benign is not then subjected to further curation. The score for this variant resulted in a classification of likely benign for this disease.

Illumina Laboratory Services, Illumina
Classification: Likely benign for Hypertrophic osteoarthropathy, primary, autosomal recessive, 1. Last evaluated: 2018-01-12. Review status: criteria provided, single submitter. Criteria: ICSL Variant Classification Criteria 13 December 2019. Collection method: clinical testing. Allele origin: germline.
Comment: the same text as in the submission from Illumina Laboratory Services, Illumina above.